The following is an entry in ClinVar:

ClinVar aggregate classification (germline): Likely pathogenic (1 of 4 stars; one submission).

Conditions:
Spastic paraplegia. Identifiers: MedGen C0037772, HP:0001258.

Submission:

Labcorp Genetics (formerly Invitae), Labcorp
Classification: Likely pathogenic for Spastic paraplegia. Last evaluated: 2022-11-26. Review status: criteria provided, single submitter. Criteria: Invitae Variant Classification Sherloc (09022015). Collection method: clinical testing. Allele origin: germline.
Comment: This sequence change affects a donor splice site in intron 4 of the AP4E1 gene. It is expected to disrupt RNA splicing. Variants that disrupt the donor or acceptor splice site typically lead to a loss of protein function (PMID: 16199547), and loss-of-function variants in AP4E1 are known to be pathogenic (PMID: 21620353, 21937992, 23472171). This variant is not present in population databases (gnomAD no frequency). This variant has not been reported in the literature in individuals affected with AP4E1-related conditions. Algorithms developed to predict the effect of sequence changes on RNA splicing suggest that this variant may disrupt the consensus splice site. In summary, the currently available evidence indicates that the variant is pathogenic, but additional data are needed to prove that conclusively. Therefore, this variant has been classified as Likely Pathogenic.

Literature cited by the submitters: PubMed 16199547; PubMed 21620353; PubMed 21937992; PubMed 23472171.

NM_007347.5(AP4E1):c.420+1G>T

Gene: AP4E1 (adaptor related protein complex 4 subunit epsilon 1; plus strand). Cytogenetic location: 15q21.2.
Variant type: single nucleotide variant.
Coding change: c.420+1G>T on transcript NM_007347.5 (MANE Select); the canonical splice donor site of the intron after coding-DNA position 420, G replaced by T.
Molecular consequence: splice donor variant.
Genome position (GRCh38, 1-based): chr15:50,924,005, G>T. VCF-style: chr15-50924005-G-T. GRCh37 (hg19) VCF-style: chr15-51216202-G-T.
Other names: c.195+1G>T (NM_001252127.2).
Identifiers: ClinVar variation 2816859 (VCV002816859.3), dbSNP rs2504691114, ClinGen allele CA392414846.
Genomic context (GRCh38, chr15:50,924,005, plus strand): 5'-TCCTTATTTCTACATGAAAGTCATGAATTATTGCTTCTCCTTGTGAATACAGTTGTAAAG[G>T]TATTGTATTGTATGTTGGTTAATATGAAGTCATAATTCTTGTCAGCACCTGATATTTCTC-3'